The following is an entry in ClinVar:

NM_001372.4(DNAH9):c.4553_4569del (p.Thr1518fs)

Gene: DNAH9 (dynein axonemal heavy chain 9; plus strand). Cytogenetic location: 17p12.
Variant type: Deletion.
Coding change: c.4553_4569del on transcript NM_001372.4 (MANE Select); coding-DNA positions 4553 to 4569, 17 bases deleted (CATGGACTCACCTGGAA).
Protein change: p.Thr1518fs; shifts the reading frame from threonine 1518.
Molecular consequence: frameshift variant.
Genome position (GRCh38, 1-based): chr17:11,690,375-11,690,391, CATGGACTCACCTGGAA deleted; deleting any 17 consecutive bases within chr17:11,690,372-11,690,391 gives the same sequence; the c. name uses the placement nearest the transcript's 3' end. VCF-style (leftmost placement, unchanged base first): chr17-11690371-CGAACATGGACTCACCTG-C. GRCh37 (hg19) VCF-style: chr17-11593688-CGAACATGGACTCACCTG-C.
Other names: short protein forms T1518fs.
Identifiers: ClinVar variation 5005687 (VCV005005687.2).

ClinVar aggregate classification (germline): Likely pathogenic (1 of 4 stars; one submission).

Conditions:
Ciliary dyskinesia, primary, 40. Also called: CILIARY DYSKINESIA, PRIMARY, 40, WITH OR WITHOUT SITUS INVERSUS. Identifiers: MedGen C4749028, MONDO:0032664, OMIM 618300.

Submission:

Juno Genomics, Hangzhou Juno Genomics, Inc
Classification: Likely pathogenic for Ciliary dyskinesia, primary, 40. Review status: criteria provided, single submitter. Criteria: ACMG Guidelines, 2015. Collection method: clinical testing. Allele origin: germline.
Comment: Null variant in a gene where loss of function (LOF) is a known mechanism of disease.;Absent from controls (or at extremely low frequency if recessive) in Genome Aggregation Database.